The following is an entry in ClinVar:

NM_001378615.1(CC2D2A):c.551G>A (p.Gly184Asp)

Genes: CC2D2A (coiled-coil and C2 domain containing 2A; plus strand), FBXL5 (F-box and leucine rich repeat protein 5; minus strand). Cytogenetic location: 4p15.32.
Variant type: single nucleotide variant.
Coding change: c.551G>A on transcript NM_001378615.1 (MANE Select); coding-DNA position 551, G replaced by A.
Protein change: p.Gly184Asp; replaces glycine 184 with aspartic acid.
Molecular consequence: missense variant.
Genome position (GRCh38, 1-based): chr4:15,511,257, G>A. VCF-style: chr4-15511257-G-A. GRCh37 (hg19) VCF-style: chr4-15512880-G-A.
Other names: p.Gly184Asp; c.551G>A, p.Gly184Asp (NM_001080522.2); c.404G>A, p.Gly135Asp (NM_001378617.1); short protein forms G135D, G184D.
Identifiers: ClinVar variation 2682857 (VCV002682857.1), dbSNP rs369902469, ClinGen allele CA2863441.

ClinVar aggregate classification (germline): Uncertain significance (1 of 4 stars; one submission).

gnomAD v4.1: 36 of 1,599,396 alleles (0.0023%); highest among the groups gnomAD compares: South Asian, 0.0068%; no homozygotes.

Submission:

Mayo Clinic Laboratories, Mayo Clinic
Classification: Uncertain significance. Last evaluated: 2022-12-01. Review status: criteria provided, single submitter. Criteria: ACMG Guidelines, 2015. Collection method: clinical testing. Allele origin: germline. Observed: 1 variant allele.
Comment: BP4